The following is an entry in ClinVar:

ClinVar aggregate classification (germline): Pathogenic. Review status: criteria provided, multiple submitters, no conflicts (2 of 4 stars). 3 submissions from 3 submitters: Pathogenic (3). Last evaluated 2025-11-21.

Conditions:
Ataxia-telangiectasia syndrome (AT). Also called: AT, COMPLEMENTATION GROUP C; ATAXIA-TELANGIECTASIA, COMPLEMENTATION GROUP A; Ataxia-telangiectasia, complementation group E; Cerebello-oculocutaneous telangiectasia; Immunodeficiency with ataxia telangiectasia; Ataxia-telangiectasia, complementation group D. Identifiers: Orphanet 100, MedGen C0004135, MONDO:0008840, OMIM 208900.
Hereditary cancer-predisposing syndrome. Also called: Tumor predisposition; Hereditary neoplastic syndrome; Neoplastic Syndromes, Hereditary; Hereditary Cancer Syndrome. Identifiers: Orphanet 140162, MedGen C0027672, MeSH D009386, MONDO:0015356.

Submissions (3):

Ambry Genetics
Classification: Pathogenic for Hereditary cancer-predisposing syndrome. Last evaluated: 2025-11-21. Review status: criteria provided, single submitter. Criteria: Ambry Variant Classification Scheme 2023. Collection method: clinical testing. Allele origin: germline.
Comment: The c.66delA pathogenic mutation, located in coding exon 1 of the ATM gene, results from a deletion of one nucleotide at nucleotide position 66, causing a translational frameshift with a predicted alternate stop codon (p.E22Dfs*12). This variant is considered to be rare based on population cohorts in the Genome Aggregation Database (gnomAD). This alteration is expected to result in loss of function by premature protein truncation or nonsense-mediated mRNA decay. As such, this alteration is interpreted as a disease-causing mutation.

GeneDx
Classification: Pathogenic. Last evaluated: 2025-09-15. Review status: criteria provided, single submitter. Criteria: GeneDx Variant Classification Process June 2021. Collection method: clinical testing. Allele origin: germline. Affected: yes.
Comment: Frameshift variant predicted to result in protein truncation or nonsense mediated decay in a gene for which loss of function is a known mechanism of disease; Not observed at significant frequency in large population cohorts (gnomAD); Truncating variants in this gene are considered pathogenic by a well-established clinical consortium and/or database; This variant is associated with the following publications: (PMID: 35150601)

Labcorp Genetics (formerly Invitae), Labcorp
Classification: Pathogenic for Ataxia-telangiectasia syndrome. Last evaluated: 2023-04-04. Review status: criteria provided, single submitter. Criteria: Invitae Variant Classification Sherloc (09022015). Collection method: clinical testing. Allele origin: germline.
Comment: This sequence change creates a premature translational stop signal (p.Glu22Aspfs*12) in the ATM gene. It is expected to result in an absent or disrupted protein product. Loss-of-function variants in ATM are known to be pathogenic (PMID: 23807571, 25614872). This variant is not present in population databases (gnomAD no frequency). This variant has not been reported in the literature in individuals affected with ATM-related conditions. ClinVar contains an entry for this variant (Variation ID: 1254639). For these reasons, this variant has been classified as Pathogenic.

Literature cited by the submitters: PubMed 23807571 (cited by Labcorp Genetics (formerly Invitae), Labcorp); PubMed 25614872 (cited by Labcorp Genetics (formerly Invitae), Labcorp).

NM_000051.4(ATM):c.66del (p.Glu22fs)

Gene: ATM (ATM serine/threonine kinase; plus strand). Cytogenetic location: 11q22.3.
Variant type: Deletion.
Coding change: c.66del on transcript NM_000051.4 (MANE Select); coding-DNA position 66, one base deleted (A; older notation c.66delA).
Protein change: p.Glu22fs; shifts the reading frame from glutamic acid 22.
Molecular consequence: frameshift variant.
Genome position (GRCh38, 1-based): chr11:108,227,690, A deleted; the last of 2 consecutive A bases (chr11:108,227,689-108,227,690); deleting either gives the same sequence. VCF-style (leftmost placement, unchanged base first): chr11-108227688-GA-G. GRCh37 (hg19) VCF-style: chr11-108098415-GA-G.
Other names: c.66del, p.Glu22fs (NM_001351834.2, NM_001351835.2, NM_001351836.2); c.66delA (NM_000051.3); short protein forms E22fs.
Identifiers: ClinVar variation 1254639 (VCV001254639.7), dbSNP rs2135006691, ClinGen allele CA2499220548.